The following is an entry in ClinVar:

ClinVar aggregate classification (germline): Benign (1 of 4 stars; one submission).

Allele frequency attached by ClinVar (database versions not stated): gnomAD exomes 0.00031; ExAC 0.00257; gnomAD 0.00304; 1000 Genomes Project 0.00339; 1000 Genomes Project 30x 0.00359; TOPMed 0.00364.
gnomAD v4.1: 625 of 659,650 alleles (0.095%); highest among the groups gnomAD compares: African/African-American, 1.1%; 4 homozygotes.

Submission:

CeGaT Center for Human Genetics Tuebingen
Classification: Benign. Last evaluated: 2022-12-01. Review status: criteria provided, single submitter. Criteria: CeGaT Center For Human Genetics Tuebingen Variant Classification Criteria Version 2. Collection method: clinical testing. Allele origin: germline. Affected: yes. Observed: 1 variant allele.
Comment: MAN1B1: BS1, BS2

NM_016219.5(MAN1B1):c.1896+230C>T

Gene: MAN1B1 (mannosidase alpha class 1B member 1; plus strand). Cytogenetic location: 9q34.3.
Variant type: single nucleotide variant.
Coding change: c.1896+230C>T on transcript NM_016219.5 (MANE Select); 230 bases into the intron after coding-DNA position 1896, C replaced by T.
Molecular consequence: intron variant.
Genome position (GRCh38, 1-based): chr9:137,107,892, C>T. VCF-style: chr9-137107892-C-T. GRCh37 (hg19) VCF-style: chr9-140002344-C-T.
Identifiers: ClinVar variation 2659805 (VCV002659805.24), dbSNP rs76964626, ClinGen allele CA5359486.